The following is an entry in ClinVar:

NM_022168.4(IFIH1):c.1723A>G (p.Thr575Ala)

Gene: IFIH1 (interferon induced with helicase C domain 1; minus strand). Cytogenetic location: 2q24.2.
Variant type: single nucleotide variant.
Coding change: c.1723A>G on transcript NM_022168.4 (MANE Select); coding-DNA position 1723, A replaced by G.
Protein change: p.Thr575Ala; replaces threonine 575 with alanine.
Molecular consequence: missense variant.
Genome position (GRCh38, 1-based): chr2:162,278,247, T>C on the plus strand (A>G on the coding strand, the complement: IFIH1 is on the minus strand). VCF-style: chr2-162278247-T-C. GRCh37 (hg19) VCF-style: chr2-163134757-T-C.
Other names: c.1723A>G (NM_022168.2); short protein forms T575A.
Identifiers: ClinVar variation 702333 (VCV000702333.17), dbSNP rs138057665, ClinGen allele CA1934426.

ClinVar aggregate classification (germline): Benign/Likely benign. Review status: criteria provided, multiple submitters, no conflicts (2 of 4 stars). 5 submissions from 5 submitters: Benign (1); Likely benign (3). 1 of the submissions does not count toward it. Last evaluated 2026-04-01.

Conditions:
IFIH1-related disorder. Also called: IFIH1-related condition.
Singleton-Merten syndrome 1 (SGMRT1). Also called: Widened medullary cavities of bone, aortic calcification, abnormal dentition, and muscular weakness; Syndrome of widened medullary cavities of the metacarpals and phalanges, aortic calcification and abnormal dentition. Identifiers: Orphanet 85191, MedGen C4225427, MONDO:0024535, OMIM 182250.
Aicardi-Goutieres syndrome 7 (AGS7). Identifiers: Orphanet 51, MedGen C3888244, MONDO:0014367, OMIM 615846.
Inborn genetic diseases. Identifiers: MedGen C0950123, MeSH D030342.

Allele frequency attached by ClinVar (database versions not stated): gnomAD exomes 0.00013 and 0.00038; ExAC 0.00054; 1000 Genomes Project 0.00060; 1000 Genomes Project 30x 0.00094; gnomAD 0.00144 and 0.00162; TOPMed 0.00176; ESP Exome Variant Server 0.00215.
gnomAD v4.1: 413 of 1,602,898 alleles (0.026%); highest among the groups gnomAD compares: African/African-American, 0.48%; 3 homozygotes.

Submissions (5):

CeGaT Center for Human Genetics Tuebingen
Classification: Likely benign. Last evaluated: 2026-04-01. Review status: criteria provided, single submitter. Criteria: CeGaT Center For Human Genetics Tuebingen Variant Classification Criteria Version 2. Collection method: clinical testing. Allele origin: germline. Affected: yes. Observed: 1 variant allele.
Comment: IFIH1: BP4

Labcorp Genetics (formerly Invitae), Labcorp
Classification: Benign for Aicardi-Goutieres syndrome 7; Singleton-Merten syndrome 1. Last evaluated: 2026-01-21. Review status: criteria provided, single submitter. Criteria: Invitae Variant Classification Sherloc (09022015). Collection method: clinical testing. Allele origin: germline.

Ambry Genetics
Classification: Likely benign for Inborn genetic diseases. Last evaluated: 2025-06-30. Review status: criteria provided, single submitter. Criteria: Ambry Variant Classification Scheme 2023. Collection method: clinical testing. Allele origin: germline.

Blueprint Genetics
Classification: Likely benign. Last evaluated: 2024-08-28. Review status: criteria provided, single submitter. Criteria: ACMG Guidelines, 2015. Collection method: clinical testing. Allele origin: germline.

PreventionGenetics, part of Exact Sciences
Classification: Benign for IFIH1-related condition. Last evaluated: 2019-06-18. Review status: no assertion criteria provided. Collection method: clinical testing. Allele origin: germline. Not counted in ClinVar's aggregate classification.
Comment: This variant is classified as benign based on ACMG/AMP sequence variant interpretation guidelines (Richards et al. 2015 PMID: 25741868, with internal and published modifications).